The following is an entry in ClinVar:

NM_012082.4(ZFPM2):c.830A>T (p.Gln277Leu)

Genes: ZFPM2 (zinc finger protein, FOG family member 2; plus strand), ZFPM2-AS1 (ZFPM2 antisense RNA 1; minus strand). Cytogenetic location: 8q23.1.
Variant type: single nucleotide variant.
Coding change: c.830A>T on transcript NM_012082.4 (MANE Select); coding-DNA position 830, A replaced by T.
Protein change: p.Gln277Leu; replaces glutamine 277 with leucine.
Molecular consequence: missense variant.
Genome position (GRCh38, 1-based): chr8:105,798,814, A>T. VCF-style: chr8-105798814-A-T. GRCh37 (hg19) VCF-style: chr8-106811042-A-T.
Other names: c.671A>T, p.Gln224Leu (NM_001362836.2); c.434A>T, p.Gln145Leu (NM_001362837.2); short protein forms Q145L, Q224L, Q277L.
Identifiers: ClinVar variation 3901755 (VCV003901755.1).

ClinVar aggregate classification (germline): Uncertain significance (1 of 4 stars; one submission).

gnomAD v4.1: 3 of 1,613,868 alleles (0.00019%); highest among the groups gnomAD compares: Non-Finnish European, 0.00025%; no homozygotes.

Submission:

GeneDx
Classification: Uncertain significance. Last evaluated: 2024-12-03. Review status: criteria provided, single submitter. Criteria: GeneDx Variant Classification Process June 2021. Collection method: clinical testing. Allele origin: germline. Affected: yes.
Comment: Not observed at significant frequency in large population cohorts (gnomAD); In silico analysis supports that this missense variant has a deleterious effect on protein structure/function; Has not been previously published as pathogenic or benign to our knowledge